The following is an entry in ClinVar:

ClinVar aggregate classification (germline): Likely benign. Review status: criteria provided, multiple submitters, no conflicts (2 of 4 stars). 6 submissions from 6 submitters: Likely benign (6). Last evaluated 2026-07-01.

Conditions:
Cardiovascular phenotype. Identifiers: MedGen CN230736.
Costello syndrome (CSTLO). Also called: HRAS-Related Costello Syndrome; FCS SYNDROME; FACIOCUTANEOSKELETAL SYNDROME. Identifiers: Orphanet 3071, MedGen C0587248, MONDO:0009026, OMIM 218040.

Allele frequency attached by ClinVar (database versions not stated): ExAC 0.00002; TOPMed 0.00002; gnomAD exomes 0.00002.
gnomAD v4.1: 58 of 1,613,880 alleles (0.0036%); highest among the groups gnomAD compares: Non-Finnish European, 0.0047%; no homozygotes.

Submissions (6):

CeGaT Center for Human Genetics Tuebingen
Classification: Likely benign. Last evaluated: 2026-07-01. Review status: criteria provided, single submitter. Criteria: CeGaT Center For Human Genetics Tuebingen Variant Classification Criteria Version 2. Collection method: clinical testing. Allele origin: germline. Affected: yes. Observed: 1 variant allele.
Comment: HRAS: BP4, BP7

Labcorp Genetics (formerly Invitae), Labcorp
Classification: Likely benign for Costello syndrome. Last evaluated: 2026-01-24. Review status: criteria provided, single submitter. Criteria: Invitae Variant Classification Sherloc (09022015). Collection method: clinical testing. Allele origin: germline.

Blueprint Genetics
Classification: Likely benign. Last evaluated: 2024-11-22. Review status: criteria provided, single submitter. Criteria: ACMG Guidelines, 2015. Collection method: clinical testing. Allele origin: germline.

Women's Health and Genetics/Laboratory Corporation of America, LabCorp
Classification: Likely benign. Last evaluated: 2024-08-17. Review status: criteria provided, single submitter. Criteria: LabCorp Variant Classification Summary - May 2015. Collection method: clinical testing. Allele origin: germline.

Ambry Genetics
Classification: Likely benign for Cardiovascular phenotype. Last evaluated: 2023-07-05. Review status: criteria provided, single submitter. Criteria: Ambry Variant Classification Scheme 2023. Collection method: clinical testing. Allele origin: germline.

Laboratory for Molecular Medicine, Mass General Brigham Personalized Medicine
Classification: Likely benign. Last evaluated: 2009-05-11. Review status: criteria provided, single submitter. Criteria: LMM Criteria. Collection method: clinical testing. Allele origin: germline. Observed: 1 variant allele.

NM_005343.4(HRAS):c.358C>T (p.Leu120=)

Genes: LRRC56 (leucine rich repeat containing 56; plus strand), HRAS (HRas proto-oncogene, GTPase; minus strand). Cytogenetic location: 11p15.5.
Variant type: single nucleotide variant.
Coding change: c.358C>T on transcript NM_005343.4 (MANE Select); coding-DNA position 358, C replaced by T.
Protein change: p.Leu120=; no amino-acid change (leucine 120 retained).
Molecular consequence: synonymous variant.
Genome position (GRCh38, 1-based): chr11:533,545, G>A on the plus strand (C>T on the coding strand, the complement: HRAS is on the minus strand). VCF-style: chr11-533545-G-A. GRCh37 (hg19) VCF-style: chr11-533545-G-A.
Other names: c.358C>T, p.Leu120= (NM_001130442.3, NM_176795.5); c.39C>T, p.Thr13= (NM_001318054.2).
Identifiers: ClinVar variation 45301 (VCV000045301.20), dbSNP rs397517139, ClinGen allele CA135980.
Genomic context (GRCh38, chr11:533,545, plus strand): 5'-GGATGCCGTAGCTTCGGGCGAGGTCCTGAGCCTGCCGAGATTCCACAGTGCGTGCAGCCA[G>A]GTCACACTTGTTCCCCACCAGCACCATGGGCACGTCATCCGAGTCCTTCACCCGTTTGAT-3'
Protein context (NP_005334.1, residues 110-130): PMVLVGNKCD[Leu120=]AARTVESRQA